The following is an entry in ClinVar:

NM_004982.4(KCNJ8):c.941T>C (p.Ile314Thr)

Genes: KCNJ8 (potassium inwardly rectifying channel subfamily J member 8; minus strand), KCNJ8-AS1 (KCNJ8 antisense RNA 1; plus strand). Cytogenetic location: 12p12.1.
Variant type: single nucleotide variant.
Coding change: c.941T>C on transcript NM_004982.4 (MANE Select); coding-DNA position 941, T replaced by C.
Protein change: p.Ile314Thr; replaces isoleucine 314 with threonine.
Molecular consequence: missense variant.
Genome position (GRCh38, 1-based): chr12:21,766,057, A>G on the plus strand (T>C on the coding strand, the complement: KCNJ8 is on the minus strand). VCF-style: chr12-21766057-A-G. GRCh37 (hg19) VCF-style: chr12-21918991-A-G.
Identifiers: ClinVar variation 2126259 (VCV002126259.5), dbSNP rs2540720449, ClinGen allele CA384123250.

ClinVar aggregate classification (germline): Uncertain significance. Review status: criteria provided, multiple submitters, no conflicts (2 of 4 stars). 2 submissions from 2 submitters: Uncertain significance (2). Last evaluated 2025-03-04.

Conditions:
Cardiovascular phenotype. Identifiers: MedGen CN230736.
Brugada syndrome. Also called: Sudden unexpected nocturnal death syndrome; Sudden Unexplained Death Syndrome; Sudden Unexplained Nocturnal Death Syndrome (SUNDS); Sudden unexplained nocturnal death syndrome. Identifiers: Orphanet 130, MedGen C1142166, MONDO:0015263.

Submissions (2):

Ambry Genetics
Classification: Uncertain significance for Cardiovascular phenotype. Last evaluated: 2025-03-04. Review status: criteria provided, single submitter. Criteria: Ambry Variant Classification Scheme 2023. Collection method: clinical testing. Allele origin: germline.
Comment: The p.I314T variant (also known as c.941T>C), located in coding exon 2 of the KCNJ8 gene, results from a T to C substitution at nucleotide position 941. The isoleucine at codon 314 is replaced by threonine, an amino acid with similar properties. This amino acid position is conserved. In addition, the in silico prediction for this alteration is inconclusive. Based on the available evidence, the clinical significance of this variant remains unclear.

Labcorp Genetics (formerly Invitae), Labcorp
Classification: Uncertain significance for Brugada syndrome. Last evaluated: 2022-04-15. Review status: criteria provided, single submitter. Criteria: Invitae Variant Classification Sherloc (09022015). Collection method: clinical testing. Allele origin: germline.
Comment: This variant is not present in population databases (gnomAD no frequency). This sequence change replaces isoleucine, which is neutral and non-polar, with threonine, which is neutral and polar, at codon 314 of the KCNJ8 protein (p.Ile314Thr). This variant has not been reported in the literature in individuals affected with KCNJ8-related conditions. In summary, the available evidence is currently insufficient to determine the role of this variant in disease. Therefore, it has been classified as a Variant of Uncertain Significance. Advanced modeling of protein sequence and biophysical properties (such as structural, functional, and spatial information, amino acid conservation, physicochemical variation, residue mobility, and thermodynamic stability) performed at Invitae indicates that this missense variant is not expected to disrupt KCNJ8 protein function.